The following is an entry in ClinVar:

ClinVar aggregate classification (germline): Uncertain significance (1 of 4 stars; one submission).

Submission:

GeneDx
Classification: Uncertain significance. Last evaluated: 2023-07-24. Review status: criteria provided, single submitter. Criteria: GeneDx Variant Classification Process June 2021. Collection method: clinical testing. Allele origin: germline. Affected: yes.
Comment: Not observed at significant frequency in large population cohorts (gnomAD); In silico analysis supports that this missense variant has a deleterious effect on protein structure/function; Has not been previously published as pathogenic or benign to our knowledge

NM_003922.4(HERC1):c.44A>G (p.His15Arg)

Gene: HERC1 (HECT and RLD domain containing E3 ubiquitin protein ligase family member 1; minus strand). Cytogenetic location: 15q22.31.
Variant type: single nucleotide variant.
Coding change: c.44A>G on transcript NM_003922.4 (MANE Select); coding-DNA position 44, A replaced by G.
Protein change: p.His15Arg; replaces histidine 15 with arginine.
Molecular consequence: missense variant.
Genome position (GRCh38, 1-based): chr15:63,775,580, T>C on the plus strand (A>G on the coding strand, the complement: HERC1 is on the minus strand). VCF-style: chr15-63775580-T-C. GRCh37 (hg19) VCF-style: chr15-64067779-T-C.
Other names: short protein forms H15R.
Identifiers: ClinVar variation 3361195 (VCV003361195.1).